The following is an entry in ClinVar:

ClinVar aggregate classification (germline): Likely benign. Review status: criteria provided, multiple submitters, no conflicts (2 of 4 stars). 3 submissions from 3 submitters: Likely benign (2). 1 of the submissions does not count toward it. Last evaluated 2025-10-02.

Conditions:
ESR2-related disorder. Also called: ESR2-related condition.

Allele frequency attached by ClinVar (database versions not stated): gnomAD 0.00257 and 0.00246; 1000 Genomes Project 30x 0.00016; 1000 Genomes Project 0.00020; gnomAD exomes 0.00200 and 0.00365; ExAC 0.00201; TOPMed 0.00216; ESP Exome Variant Server 0.00239.
gnomAD v4.1: 5,128 of 1,481,492 alleles (0.35%); highest among the groups gnomAD compares: Non-Finnish European, 0.44%; 9 homozygotes.

Submissions (3):

Labcorp Genetics (formerly Invitae), Labcorp
Classification: Likely benign. Last evaluated: 2025-10-02. Review status: criteria provided, single submitter. Criteria: Invitae Variant Classification Sherloc (09022015). Collection method: clinical testing. Allele origin: germline.

CeGaT Center for Human Genetics Tuebingen
Classification: Likely benign. Last evaluated: 2024-08-01. Review status: criteria provided, single submitter. Criteria: CeGaT Center For Human Genetics Tuebingen Variant Classification Criteria Version 2. Collection method: clinical testing. Allele origin: germline. Affected: yes. Observed: 1 variant allele.
Comment: ESR2: BS1

PreventionGenetics, part of Exact Sciences
Classification: Likely benign for ESR2-related condition. Last evaluated: 2022-12-29. Review status: no assertion criteria provided. Collection method: clinical testing. Allele origin: germline. Not counted in ClinVar's aggregate classification.
Comment: This variant is classified as likely benign based on ACMG/AMP sequence variant interpretation guidelines (Richards et al. 2015 PMID: 25741868, with internal and published modifications).

NM_001437.3(ESR2):c.661A>G (p.Arg221Gly)

Gene: ESR2 (estrogen receptor 2; minus strand). Cytogenetic location: 14q23.2.
Variant type: single nucleotide variant.
Coding change: c.661A>G on transcript NM_001437.3 (MANE Select); coding-DNA position 661, A replaced by G.
Protein change: p.Arg221Gly; replaces arginine 221 with glycine.
Molecular consequence: missense variant. On other transcripts: non-coding transcript variant (2).
Genome position (GRCh38, 1-based): chr14:64,260,740, T>C on the plus strand (A>G on the coding strand, the complement: ESR2 is on the minus strand). VCF-style: chr14-64260740-T-C. GRCh37 (hg19) VCF-style: chr14-64727458-T-C.
Other names: c.661A>G, p.Arg221Gly (NM_001040275.1, NM_001214902.1, NM_001271876.1 and 3 more transcripts); short protein forms R221G.
Identifiers: ClinVar variation 717630 (VCV000717630.27), dbSNP rs78851986, ClinGen allele CA7225492.